The following is an entry in ClinVar:

NM_080680.3(COL11A2):c.3043-65T>C

Gene: COL11A2 (collagen type XI alpha 2 chain; minus strand). Cytogenetic location: 6p21.32.
Variant type: single nucleotide variant.
Coding change: c.3043-65T>C on transcript NM_080680.3 (MANE Select); 65 bases into the intron before coding-DNA position 3043, T replaced by C.
Molecular consequence: intron variant.
Genome position (GRCh38, 1-based): chr6:33,171,885, A>G on the plus strand (T>C on the coding strand, the complement: COL11A2 is on the minus strand). VCF-style: chr6-33171885-A-G. GRCh37 (hg19) VCF-style: chr6-33139662-A-G.
Other names: c.2722-65T>C (NM_080679.3); c.2785-65T>C (NM_080681.3).
Identifiers: ClinVar variation 674776 (VCV000674776.1), dbSNP rs2855434, ClinGen allele CA12435549.

ClinVar aggregate classification (germline): Benign (1 of 4 stars; one submission).

Allele frequency attached by ClinVar (database versions not stated): TOPMed 0.79453; 1000 Genomes Project 0.86941; 1000 Genomes Project 30x 0.87149.
gnomAD v4.1: 1,178,371 of 1,581,804 alleles (74%); highest among the groups gnomAD compares: East Asian, 98%; 443,115 homozygotes.

Submission:

GeneDx
Classification: Benign. Last evaluated: 2018-06-13. Review status: criteria provided, single submitter. Criteria: GeneDx Variant Classification (06012015). Collection method: clinical testing. Allele origin: germline. Affected: yes.
Comment: This variant is considered likely benign or benign based on one or more of the following criteria: it is a conservative change, it occurs at a poorly conserved position in the protein, it is predicted to be benign by multiple in silico algorithms, and/or has population frequency not consistent with disease.